The following is an entry in ClinVar:

ClinVar aggregate classification (germline): Uncertain significance (1 of 4 stars; one submission).

Conditions:
Charcot-Marie-Tooth disease axonal type 2Z. Also called: CHARCOT-MARIE-TOOTH DISEASE, AXONAL, AUTOSOMAL DOMINANT, TYPE 2Z; CHARCOT-MARIE-TOOTH NEUROPATHY, TYPE 2Z. Identifiers: Orphanet 466768, MedGen C5569025, MONDO:0014736, OMIM 616688.

Submission:

Labcorp Genetics (formerly Invitae), Labcorp
Classification: Uncertain significance for Charcot-Marie-Tooth disease axonal type 2Z. Last evaluated: 2024-08-20. Review status: criteria provided, single submitter. Criteria: Invitae Variant Classification Sherloc (09022015). Collection method: clinical testing. Allele origin: germline.
Comment: This sequence change affects codon 456 of the MORC2 mRNA. It is a 'silent' change, meaning that it does not change the encoded amino acid sequence of the MORC2 protein. It affects a nucleotide within the consensus splice site. This variant is present in population databases (rs777612473, gnomAD 0.0009%). This variant has not been reported in the literature in individuals affected with MORC2-related conditions. Algorithms developed to predict the effect of sequence changes on RNA splicing suggest that this variant is not likely to affect RNA splicing. In summary, the available evidence is currently insufficient to determine the role of this variant in disease. Therefore, it has been classified as a Variant of Uncertain Significance.

NM_001303256.3(MORC2):c.1368C>T (p.Ile456=)

Gene: MORC2 (MORC family CW-type zinc finger 2; minus strand). Cytogenetic location: 22q12.2.
Variant type: single nucleotide variant.
Coding change: c.1368C>T on transcript NM_001303256.3 (MANE Select); coding-DNA position 1368, C replaced by T.
Protein change: p.Ile456=; no amino-acid change (isoleucine 456 retained).
Molecular consequence: synonymous variant.
Genome position (GRCh38, 1-based): chr22:30,937,816, G>A on the plus strand (C>T on the coding strand, the complement: MORC2 is on the minus strand). VCF-style: chr22-30937816-G-A. GRCh37 (hg19) VCF-style: chr22-31333803-G-A.
Other names: c.1368C>T, p.Ile456= (NM_001303257.2); c.1182C>T, p.Ile394= (NM_014941.3).
Identifiers: ClinVar variation 3624061 (VCV003624061.2).